The following is an entry in ClinVar:

NM_001165963.4(SCN1A):c.495_496del (p.Thr166fs)

Gene: SCN1A (sodium voltage-gated channel alpha subunit 1; minus strand). Cytogenetic location: 2q24.3.
Variant type: Microsatellite.
Coding change: c.495_496del on transcript NM_001165963.4 (MANE Select); coding-DNA positions 495 to 496, 2 bases deleted (TA; older notation c.495_496delTA).
Protein change: p.Thr166fs; shifts the reading frame from threonine 166.
Molecular consequence: frameshift variant. On other transcripts: 5 prime UTR variant (1), non-coding transcript variant (1).
Genome position (GRCh38, 1-based): chr2:166,054,744-166,054,745, TA deleted on the plus strand (TA on the coding strand, the reverse complement: SCN1A is on the minus strand); deleting any 2 consecutive bases within chr2:166,054,744-166,054,750 gives the same sequence; the c. name uses the placement nearest the transcript's 3' end. VCF-style (leftmost placement, unchanged base first): chr2-166054743-GTA-G. GRCh37 (hg19) VCF-style: chr2-166911253-GTA-G.
Other names: c.495_496del, p.Thr166fs (NM_001353955.2, NM_001353957.2, NM_001353958.2 and 10 more transcripts); c.-1935TA[2] (NM_001353961.2); short protein forms T166fs.
Identifiers: ClinVar variation 954216 (VCV000954216.10), dbSNP rs1698958540, ClinGen allele CA1304865021.

ClinVar aggregate classification (germline): Pathogenic (1 of 4 stars; one submission).

Conditions:
Early-infantile DEE. Also called: Early infantile epileptic encephalopathy; Ohtahara syndrome; Early infantile epileptic encephalopathy with suppression bursts. Identifiers: Orphanet 1934, MedGen C0393706, MONDO:0800491.

Submission:

Labcorp Genetics (formerly Invitae), Labcorp
Classification: Pathogenic for Early-infantile DEE. Last evaluated: 2022-11-29. Review status: criteria provided, single submitter. Criteria: Invitae Variant Classification Sherloc (09022015). Collection method: clinical testing. Allele origin: germline.
Comment: For these reasons, this variant has been classified as Pathogenic. ClinVar contains an entry for this variant (Variation ID: 954216). This premature translational stop signal has been observed in individual(s) with Dravet syndrome (PMID: 19589774). This variant is not present in population databases (gnomAD no frequency). This sequence change creates a premature translational stop signal (p.Thr166Phefs*2) in the SCN1A gene. It is expected to result in an absent or disrupted protein product. Loss-of-function variants in SCN1A are known to be pathogenic (PMID: 17347258, 18930999).

Literature cited by the submitters: PubMed 19589774; PubMed 17347258; PubMed 18930999.